The following is an entry in ClinVar:

NM_001128228.3(TPRN):c.1696C>T (p.Leu566Phe)

Gene: TPRN (taperin; minus strand). Cytogenetic location: 9q34.3.
Variant type: single nucleotide variant.
Coding change: c.1696C>T on transcript NM_001128228.3 (MANE Select); coding-DNA position 1696, C replaced by T.
Protein change: p.Leu566Phe; replaces leucine 566 with phenylalanine.
Molecular consequence: missense variant.
Genome position (GRCh38, 1-based): chr9:137,199,016, G>A on the plus strand (C>T on the coding strand, the complement: TPRN is on the minus strand). VCF-style: chr9-137199016-G-A. GRCh37 (hg19) VCF-style: chr9-140093468-G-A.
Other names: c.1696C>T (NM_001128228.2); short protein forms L566F.
Identifiers: ClinVar variation 811203 (VCV000811203.10), dbSNP rs201404168, ClinGen allele CA5362679.
Genomic context (GRCh38, chr9:137,199,016, plus strand): 5'-GCCAGCCAGTGGCCCTGCCCCCACCACTGACCTTCTTTCTTGAGGAGCCAGCCTTGGTGA[G>A]GCAGGACTTCTGCAGGGCCAGGTAGCCGCCAATCACCTCGATCTCATGCACGGTGGGGTA-3'
Protein context (NP_001121700.2, residues 556-576): GGYLALQKSC[Leu566Phe]TKAGSSRKKM

ClinVar aggregate classification (germline): Uncertain significance. Review status: criteria provided, multiple submitters, no conflicts (2 of 4 stars). 2 submissions from 2 submitters: Uncertain significance (2). Last evaluated 2022-11-21.

Conditions:
Inborn genetic diseases. Identifiers: MedGen C0950123, MeSH D030342.
Autosomal recessive nonsyndromic hearing loss 79. Identifiers: Orphanet 90636, MedGen C2750082, MONDO:0013215, OMIM 613307.

Allele frequency attached by ClinVar (database versions not stated): gnomAD 0.00001 and 0.00002; ExAC 0.00003; gnomAD exomes 0.00003 and 0.00005; TOPMed 0.00003.
gnomAD v4.1: 80 of 1,612,982 alleles (0.005%); highest among the groups gnomAD compares: Non-Finnish European, 0.0065%; no homozygotes.

Submissions (2):

Ambry Genetics
Classification: Uncertain significance for Inborn genetic diseases. Last evaluated: 2022-11-21. Review status: criteria provided, single submitter. Criteria: Ambry Variant Classification Scheme 2023. Collection method: clinical testing. Allele origin: germline.

ARUP Laboratories, Molecular Genetics and Genomics, ARUP Laboratories
Classification: Uncertain significance for Autosomal recessive nonsyndromic hearing loss 79. Last evaluated: 2018-11-28. Review status: criteria provided, single submitter. Criteria: ARUP Molecular Germline Variant Investigation Process. Collection method: clinical testing. Allele origin: germline.
Comment: The TPRN c.1696C>T; p.Leu566Phe variant (rs201404168), to our knowledge, is not reported in the medical literature or gene specific databases. This variant is found in the non-Finnish European population with an allele frequency of 0.0071% (8/112,546 alleles) in the Genome Aggregation Database. The leucine at codon 566 is highly conserved, and computational analyses (SIFT, PolyPhen-2) predict that this variant is deleterious. Due to limited information, the clinical significance of the p.Leu566Phe variant is uncertain at this time.